The following is an entry in ClinVar:

NM_004655.4(AXIN2):c.1091C>T (p.Pro364Leu)

Gene: AXIN2 (axin 2; minus strand). Cytogenetic location: 17q24.1.
Variant type: single nucleotide variant.
Coding change: c.1091C>T on transcript NM_004655.4 (MANE Select); coding-DNA position 1091, C replaced by T.
Protein change: p.Pro364Leu; replaces proline 364 with leucine.
Molecular consequence: missense variant.
Genome position (GRCh38, 1-based): chr17:65,538,312, G>A on the plus strand (C>T on the coding strand, the complement: AXIN2 is on the minus strand). VCF-style: chr17-65538312-G-A. GRCh37 (hg19) VCF-style: chr17-63534430-G-A.
Other names: c.1091C>T, p.Pro364Leu (NM_001363813.1); short protein forms P364L.
Identifiers: ClinVar variation 3469894 (VCV003469894.1).
Genomic context (GRCh38, chr17:65,538,312, plus strand): 5'-TCCAGCTTCAGCTTTTCCAGCCTCGAGATCAGCTCAGCTGCAAAGGTGGCGGGTTCCACG[G>A]GGGTCATCTCCTTGGGCAGGCGGTGGGTTCTCTACAGGACGTGGAAAGGAAAGGGAGGAG-3'
Protein context (NP_004646.3, residues 354-374): RTHRLPKEMT[Pro364Leu]VEPATFAAEL

ClinVar aggregate classification (germline): Uncertain significance (1 of 4 stars; one submission).

Conditions:
Hereditary cancer-predisposing syndrome. Also called: Tumor predisposition; Neoplastic Syndromes, Hereditary; Hereditary neoplastic syndrome; Hereditary Cancer Syndrome. Identifiers: Orphanet 140162, MedGen C0027672, MeSH D009386, MONDO:0015356.

Submission:

Ambry Genetics
Classification: Uncertain significance for Hereditary cancer-predisposing syndrome. Last evaluated: 2024-06-25. Review status: criteria provided, single submitter. Criteria: Ambry Variant Classification Scheme 2023. Collection method: clinical testing. Allele origin: germline.
Comment: The p.P364L variant (also known as c.1091C>T), located in coding exon 4 of the AXIN2 gene, results from a C to T substitution at nucleotide position 1091. The proline at codon 364 is replaced by leucine, an amino acid with similar properties. This amino acid position is highly conserved in available vertebrate species. In addition, this alteration is predicted to be deleterious by in silico analysis. Based on the available evidence, the clinical significance of this variant remains unclear.